The following is an entry in ClinVar:

NM_006506.5(RASA2):c.863+1G>A

Gene: RASA2 (RAS p21 protein activator 2; plus strand). Cytogenetic location: 3q23.
Variant type: single nucleotide variant.
Coding change: c.863+1G>A on transcript NM_006506.5 (MANE Select); the canonical splice donor site of the intron after coding-DNA position 863, G replaced by A.
Molecular consequence: splice donor variant.
Genome position (GRCh38, 1-based): chr3:141,559,996, G>A. VCF-style: chr3-141559996-G-A. GRCh37 (hg19) VCF-style: chr3-141278838-G-A.
Other names: c.863+1G>A (NM_001303245.3, NM_001303246.3).
Identifiers: ClinVar variation 2034374 (VCV002034374.4), dbSNP rs866744448, ClinGen allele CA84640793.

ClinVar aggregate classification (germline): Uncertain significance (1 of 4 stars; one submission).

gnomAD v4.1: 1 of 1,609,564 alleles (0.000062%); highest among the groups gnomAD compares: African/African-American, 0.0013%; no homozygotes.

Submission:

Labcorp Genetics (formerly Invitae), Labcorp
Classification: Uncertain significance. Last evaluated: 2022-10-07. Review status: criteria provided, single submitter. Criteria: Invitae Variant Classification Sherloc (09022015). Collection method: clinical testing. Allele origin: germline.
Comment: This sequence change affects a donor splice site in intron 9 of the RASA2 gene. It is expected to disrupt RNA splicing. Variants that disrupt the donor or acceptor splice site typically lead to a loss of protein function (PMID: 16199547), however the current clinical and genetic evidence is not sufficient to establish whether loss-of-function variants in RASA2 cause disease. This variant is present in population databases (no rsID available, gnomAD 0.007%). This variant has not been reported in the literature in individuals affected with RASA2-related conditions. Algorithms developed to predict the effect of sequence changes on RNA splicing suggest that this variant may disrupt the consensus splice site. In summary, the available evidence is currently insufficient to determine the role of this variant in disease. Therefore, it has been classified as a Variant of Uncertain Significance.

Literature cited by the submitters: PubMed 16199547.